The following is an entry in ClinVar:

NM_005632.3(CAPN15):c.3084-11C>G

Gene: CAPN15 (calpain 15; plus strand). Cytogenetic location: 16p13.3.
Variant type: single nucleotide variant.
Coding change: c.3084-11C>G on transcript NM_005632.3 (MANE Select); 11 bases into the intron before coding-DNA position 3084, C replaced by G.
Molecular consequence: intron variant.
Genome position (GRCh38, 1-based): chr16:553,328, C>G. VCF-style: chr16-553328-C-G. GRCh37 (hg19) VCF-style: chr16-603328-C-G.
Identifiers: ClinVar variation 2575854 (VCV002575854.1), dbSNP rs914499544, ClinGen allele CA973622914.

ClinVar aggregate classification (germline): Uncertain significance (1 of 4 stars; one submission).

Allele frequency attached by ClinVar (database versions not stated): gnomAD 0.00001.
gnomAD v4.1: 3 of 1,595,038 alleles (0.00019%); highest among the groups gnomAD compares: Admixed American, 0.0034%; no homozygotes.

Submission:

GeneDx
Classification: Uncertain significance. Last evaluated: 2023-02-09. Review status: criteria provided, single submitter. Criteria: GeneDx Variant Classification Process June 2021. Collection method: clinical testing. Allele origin: germline. Affected: yes.
Comment: Not observed at significant frequency in large population cohorts (gnomAD); Has not been previously published as pathogenic or benign to our knowledge; In silico analysis suggests this variant may impact gene splicing. In the absence of RNA/functional studies, the actual effect of this sequence change is unknown.